The following is an entry in ClinVar:

NM_004304.5(ALK):c.4554G>T (p.Lys1518Asn)

Gene: ALK (ALK receptor tyrosine kinase; minus strand). Cytogenetic location: 2p23.2.
Variant type: single nucleotide variant.
Coding change: c.4554G>T on transcript NM_004304.5 (MANE Select); coding-DNA position 4554, G replaced by T.
Protein change: p.Lys1518Asn; replaces lysine 1518 with asparagine.
Molecular consequence: missense variant.
Genome position (GRCh38, 1-based): chr2:29,193,533, C>A on the plus strand (G>T on the coding strand, the complement: ALK is on the minus strand). VCF-style: chr2-29193533-C-A. GRCh37 (hg19) VCF-style: chr2-29416399-C-A.
Other names: c.1350G>T, p.Lys450Asn (NM_001353765.2); short protein forms K1518N, K450N.
Identifiers: ClinVar variation 846976 (VCV000846976.10), dbSNP rs774746810, ClinGen allele CA1593544.

ClinVar aggregate classification (germline): Uncertain significance. Review status: criteria provided, multiple submitters, no conflicts (2 of 4 stars). 2 submissions from 2 submitters: Uncertain significance (2). Last evaluated 2025-05-07.

Conditions:
Hereditary cancer-predisposing syndrome. Also called: Neoplastic Syndromes, Hereditary; Hereditary Cancer Syndrome; Hereditary neoplastic syndrome; Tumor predisposition. Identifiers: Orphanet 140162, MedGen C0027672, MeSH D009386, MONDO:0015356.
Neuroblastoma, susceptibility to, 3. Also called: ALK-Related Neuroblastic Tumor Susceptibility. Identifiers: Orphanet 635, MedGen C2751681, MONDO:0013083, OMIM 613014.

Allele frequency attached by ClinVar (database versions not stated): gnomAD exomes below 0.00001 and 0.00001; TOPMed below 0.00001; ExAC 0.00002.
gnomAD v4.1: 8 of 1,614,184 alleles (0.0005%); highest among the groups gnomAD compares: Middle Eastern, 0.016%; no homozygotes.

Submissions (2):

Labcorp Genetics (formerly Invitae), Labcorp
Classification: Uncertain significance for Neuroblastoma, susceptibility to, 3. Last evaluated: 2025-05-07. Review status: criteria provided, single submitter. Criteria: Invitae Variant Classification Sherloc (09022015). Collection method: clinical testing. Allele origin: germline.
Comment: This sequence change replaces lysine, which is basic and polar, with asparagine, which is neutral and polar, at codon 1518 of the ALK protein (p.Lys1518Asn). This variant is present in population databases (rs774746810, gnomAD 0.003%). This variant has not been reported in the literature in individuals affected with ALK-related conditions. ClinVar contains an entry for this variant (Variation ID: 846976). An algorithm developed to predict the effect of missense changes on protein structure and function (PolyPhen-2) suggests that this variant is likely to be disruptive. Experimental studies have shown that this missense change does not substantially affect ALK function (PMID: 22086496). In summary, the available evidence is currently insufficient to determine the role of this variant in disease. Therefore, it has been classified as a Variant of Uncertain Significance.

Ambry Genetics
Classification: Uncertain significance for Hereditary cancer-predisposing syndrome. Last evaluated: 2025-03-04. Review status: criteria provided, single submitter. Criteria: Ambry Variant Classification Scheme 2023. Collection method: clinical testing. Allele origin: germline.
Comment: The p.K1518N variant (also known as c.4554G>T), located in coding exon 29 of the ALK gene, results from a G to T substitution at nucleotide position 4554. The lysine at codon 1518 is replaced by asparagine, an amino acid with similar properties. This amino acid position is highly conserved in available vertebrate species. In addition, this alteration is predicted to be tolerated by in silico analysis. Based on the available evidence, the clinical significance of this variant remains unclear.

Literature cited by the submitters: PubMed 22086496 (cited by Labcorp Genetics (formerly Invitae), Labcorp).